The following is an entry in ClinVar:

ClinVar aggregate classification (germline): Uncertain significance (1 of 4 stars; one submission).

Conditions:
Primary ciliary dyskinesia. Also called: Ciliary dyskinesia. Identifiers: Orphanet 244, MedGen C0008780, MONDO:0016575, HP:0012265.

Submission:

Labcorp Genetics (formerly Invitae), Labcorp
Classification: Uncertain significance for Primary ciliary dyskinesia. Last evaluated: 2024-01-16. Review status: criteria provided, single submitter. Criteria: Invitae Variant Classification Sherloc (09022015). Collection method: clinical testing. Allele origin: germline.
Comment: This sequence change replaces glycine, which is neutral and non-polar, with tryptophan, which is neutral and slightly polar, at codon 90 of the MCIDAS protein (p.Gly90Trp). This variant is present in population databases (no rsID available, gnomAD 0.009%). This variant has not been reported in the literature in individuals affected with MCIDAS-related conditions. Advanced modeling of protein sequence and biophysical properties (such as structural, functional, and spatial information, amino acid conservation, physicochemical variation, residue mobility, and thermodynamic stability) performed at Invitae indicates that this missense variant is not expected to disrupt MCIDAS protein function with a negative predictive value of 80%. In summary, the available evidence is currently insufficient to determine the role of this variant in disease. Therefore, it has been classified as a Variant of Uncertain Significance.

NM_001190787.3(MCIDAS):c.268G>T (p.Gly90Trp)

Gene: MCIDAS (multiciliate differentiation and DNA synthesis associated cell cycle protein; minus strand). Cytogenetic location: 5q11.2.
Variant type: single nucleotide variant.
Coding change: c.268G>T on transcript NM_001190787.3 (MANE Select); coding-DNA position 268, G replaced by T.
Protein change: p.Gly90Trp; replaces glycine 90 with tryptophan.
Molecular consequence: missense variant.
Genome position (GRCh38, 1-based): chr5:55,226,617, C>A on the plus strand (G>T on the coding strand, the complement: MCIDAS is on the minus strand). VCF-style: chr5-55226617-C-A. GRCh37 (hg19) VCF-style: chr5-54522445-C-A.
Other names: short protein forms G90W.
Identifiers: ClinVar variation 2918510 (VCV002918510.3), dbSNP rs1251186024, ClinGen allele CA359733839.
Genomic context (GRCh38, chr5:55,226,617, plus strand): 5'-CCACGAGAAGGGGAGGTACCTGCGAGGCGGCCAGGTCACCACCAGGCGGCGCGTCGGACC[C>A]GAGTAGCGAAGAGCAGTCAGCGAGGTCCTGCAGGTCTATGGTGGTGAGGGCTGCGCGGGG-3'
Protein context (NP_001177716.1, residues 80-100): QDLADCSSLL[Gly90Trp]SDAPPGGDLA